The following is an entry in ClinVar:

NM_021096.4(CACNA1I):c.1846G>C (p.Asp616His)

Gene: CACNA1I (calcium voltage-gated channel subunit alpha1 I; plus strand). Cytogenetic location: 22q13.1.
Variant type: single nucleotide variant.
Coding change: c.1846G>C on transcript NM_021096.4 (MANE Select); coding-DNA position 1846, G replaced by C.
Protein change: p.Asp616His; replaces aspartic acid 616 with histidine.
Molecular consequence: missense variant.
Genome position (GRCh38, 1-based): chr22:39,649,779, G>C. VCF-style: chr22-39649779-G-C. GRCh37 (hg19) VCF-style: chr22-40045784-G-C.
Other names: c.1741G>C, p.Asp581His (NM_001003406.2); short protein forms D616H, D581H.
Identifiers: ClinVar variation 4988076 (VCV004988076.1).

ClinVar aggregate classification (germline): Likely benign (1 of 4 stars; one submission).

Conditions:
CACNA1I-related disorder. Also called: CACNA1I-related condition.

gnomAD v4.1: 335 of 1,608,792 alleles (0.021%); highest among the groups gnomAD compares: East Asian, 0.46%; 4 homozygotes.

Submission:

PreventionGenetics, part of Exact Sciences
Classification: Likely benign for CACNA1I-related condition. Last evaluated: 2025-02-21. Review status: criteria provided, single submitter. Criteria: ACMG Guidelines, 2015. Collection method: clinical testing. Allele origin: germline.
Comment: This variant is classified as likely benign based on ACMG/AMP sequence variant interpretation guidelines (Richards et al. 2015 PMID: 25741868, with internal and published modifications).